The following is an entry in ClinVar:

ClinVar aggregate classification (germline): Uncertain significance (1 of 4 stars; one submission).

Allele frequency attached by ClinVar (database versions not stated): TOPMed below 0.00001.

Submission:

Labcorp Genetics (formerly Invitae), Labcorp
Classification: Uncertain significance. Last evaluated: 2023-07-17. Review status: criteria provided, single submitter. Criteria: Invitae Variant Classification Sherloc (09022015). Collection method: clinical testing. Allele origin: germline.
Comment: In summary, the available evidence is currently insufficient to determine the role of this variant in disease. Therefore, it has been classified as a Variant of Uncertain Significance. An algorithm developed to predict the effect of missense changes on protein structure and function (PolyPhen-2) suggests that this variant is likely to be disruptive. ClinVar contains an entry for this variant (Variation ID: 1481708). This variant has not been reported in the literature in individuals affected with DYNC2LI1-related conditions. This variant is not present in population databases (gnomAD no frequency). This sequence change replaces lysine, which is basic and polar, with threonine, which is neutral and polar, at codon 198 of the DYNC2LI1 protein (p.Lys198Thr).

NM_016008.4(DYNC2LI1):c.593A>C (p.Lys198Thr)

Gene: DYNC2LI1 (dynein cytoplasmic 2 light intermediate chain 1; plus strand). Cytogenetic location: 2p21.
Variant type: single nucleotide variant.
Coding change: c.593A>C on transcript NM_016008.4 (MANE Select); coding-DNA position 593, A replaced by C.
Protein change: p.Lys198Thr; replaces lysine 198 with threonine.
Molecular consequence: missense variant.
Genome position (GRCh38, 1-based): chr2:43,796,734, A>C. VCF-style: chr2-43796734-A-C. GRCh37 (hg19) VCF-style: chr2-44023873-A-C.
Other names: c.596A>C, p.Lys199Thr (NM_001193464.2, NM_001348913.2); c.593A>C, p.Lys198Thr (NM_001348912.2); short protein forms K199T, K198T.
Identifiers: ClinVar variation 1481708 (VCV001481708.8), dbSNP rs1665868232, ClinGen allele CA346658773.